The following is an entry in ClinVar:

ClinVar aggregate classification (germline): Likely pathogenic (1 of 4 stars; one submission).

Conditions:
Bainbridge-Ropers syndrome. Also called: Severe feeding difficulties-failure to thrive-microcephaly due to ASXL3 deficiency syndrome. Identifiers: Orphanet 352577, MedGen C4750837, MONDO:0014205, OMIM 615485.

Submission:

GeneDx
Classification: Likely pathogenic. Last evaluated: 2023-10-30. Review status: criteria provided, single submitter. Criteria: GeneDx Variant Classification Process June 2021. Collection method: clinical testing. Allele origin: germline. Affected: yes.
Comment: Frameshift variant in the C-terminus predicted to result in protein truncation, as the last 194 amino acids are lost and replaced with 24 incorrect amino acids, and other loss-of-function variants have been reported downstream in the Human Gene Mutation Database (HGMD); Not observed at significant frequency in large population cohorts (gnomAD); Has not been previously published as pathogenic or benign to our knowledge

NM_030632.3(ASXL3):c.6165del (p.Lys2055fs)

Gene: ASXL3 (ASXL transcriptional regulator 3; plus strand). Cytogenetic location: 18q12.1.
Variant type: Deletion.
Coding change: c.6165del on transcript NM_030632.3 (MANE Select); coding-DNA position 6165, one base deleted (A; older notation c.6165delA).
Protein change: p.Lys2055fs; shifts the reading frame from lysine 2055.
Molecular consequence: frameshift variant.
Genome position (GRCh38, 1-based): chr18:33,746,013, A deleted; the last of 5 consecutive A bases (chr18:33,746,009-33,746,013); deleting any one gives the same sequence. VCF-style (leftmost placement, unchanged base first): chr18-33746008-CA-C. GRCh37 (hg19) VCF-style: chr18-31325972-CA-C.
Other names: c.6165delA (NM_030632.1); short protein forms K2055fs.
Identifiers: ClinVar variation 451162 (VCV000451162.6), dbSNP rs1555745616, ClinGen allele CA658656739.